The following is an entry in ClinVar:

NM_203447.4(DOCK8):c.3068T>C (p.Ile1023Thr)

Gene: DOCK8 (dedicator of cytokinesis 8; plus strand). Cytogenetic location: 9p24.3.
Variant type: single nucleotide variant.
Coding change: c.3068T>C on transcript NM_203447.4 (MANE Select); coding-DNA position 3068, T replaced by C.
Protein change: p.Ile1023Thr; replaces isoleucine 1023 with threonine.
Molecular consequence: missense variant.
Genome position (GRCh38, 1-based): chr9:396,882, T>C. VCF-style: chr9-396882-T-C. GRCh37 (hg19) VCF-style: chr9-396882-T-C.
Other names: c.2768T>C, p.Ile923Thr (NM_001190458.2); c.2864T>C, p.Ile955Thr (NM_001193536.2); short protein forms I955T, I1023T, I923T.
Identifiers: ClinVar variation 3652396 (VCV003652396.1).
Genomic context (GRCh38, chr9:396,882, plus strand): 5'-AACGGGACAGTTTTCGGAGGACTCGTTTTTCTGACCGTTTCATGGATGACATAACTACTA[T>C]TGTTAATGTGGTCACCTCGGAAATTGCAGCCCTTTTAGTAAAACCACAGAAGGTAACTGT-3'
Protein context (NP_982272.2, residues 1013-1033): SDRFMDDITT[Ile1023Thr]VNVVTSEIAA

ClinVar aggregate classification (germline): Uncertain significance (1 of 4 stars; one submission).

gnomAD v4.1: 2 of 1,614,116 alleles (0.00012%); highest among the groups gnomAD compares: Admixed American, 0.0033%; no homozygotes.

Submission:

Labcorp Genetics (formerly Invitae), Labcorp
Classification: Uncertain significance for Combined immunodeficiency due to DOCK8 deficiency. Last evaluated: 2024-05-06. Review status: criteria provided, single submitter. Criteria: Invitae Variant Classification Sherloc (09022015). Collection method: clinical testing. Allele origin: germline.
Comment: This sequence change replaces isoleucine, which is neutral and non-polar, with threonine, which is neutral and polar, at codon 1023 of the DOCK8 protein (p.Ile1023Thr). This variant is present in population databases (no rsID available, gnomAD 0.006%). This variant has not been reported in the literature in individuals affected with DOCK8-related conditions. Advanced modeling of protein sequence and biophysical properties (such as structural, functional, and spatial information, amino acid conservation, physicochemical variation, residue mobility, and thermodynamic stability) performed at Invitae indicates that this missense variant is not expected to disrupt DOCK8 protein function with a negative predictive value of 80%. In summary, the available evidence is currently insufficient to determine the role of this variant in disease. Therefore, it has been classified as a Variant of Uncertain Significance.